The following is an entry in ClinVar:

ClinVar aggregate classification (germline): Uncertain significance (1 of 4 stars; one submission).

Conditions:
Gastrointestinal stromal tumor. Also called: Gastrointestinal stromal tumor, somatic; Gastrointestinal stroma tumor. Identifiers: Orphanet 44890, MedGen C0238198, MeSH D046152, MONDO:0011719, OMIM 606764, HP:0100723.

Submission:

Labcorp Genetics (formerly Invitae), Labcorp
Classification: Uncertain significance for Gastrointestinal stromal tumor. Last evaluated: 2024-02-24. Review status: criteria provided, single submitter. Criteria: Invitae Variant Classification Sherloc (09022015). Collection method: clinical testing. Allele origin: germline.
Comment: This variant, c.3173_3199dup, results in the insertion of 9 amino acid(s) of the PDGFRA protein (p.Thr1058_Thr1066dup), but otherwise preserves the integrity of the reading frame. This variant is not present in population databases (gnomAD no frequency). This variant has not been reported in the literature in individuals affected with PDGFRA-related conditions. Experimental studies and prediction algorithms are not available or were not evaluated, and the functional significance of this variant is currently unknown. In summary, the available evidence is currently insufficient to determine the role of this variant in disease. Therefore, it has been classified as a Variant of Uncertain Significance.

NM_006206.6(PDGFRA):c.3173_3199dup (p.Thr1066_Ile1067insThrPheIleLysArgGluAspGluThr)

Gene: PDGFRA (platelet derived growth factor receptor alpha; plus strand). Cytogenetic location: 4q12.
Variant type: Duplication.
Coding change: c.3173_3199dup on transcript NM_006206.6 (MANE Select); coding-DNA positions 3173 to 3199, 27 bases duplicated (CCTTCATCAAGAGAGAGGACGAGACCA).
Protein change: p.Thr1066_Ile1067insThrPheIleLysArgGluAspGluThr.
Genome position (GRCh38, 1-based): chr4:54,295,175-54,295,201, CCTTCATCAAGAGAGAGGACGAGACCA duplicated; duplicating any 27 consecutive bases within chr4:54,295,172-54,295,201 gives the same sequence; the c. name uses the placement nearest the transcript's 3' end. VCF-style (leftmost placement, unchanged base first): chr4-54295171-T-TCCACCTTCATCAAGAGAGAGGACGAGA. GRCh37 (hg19) VCF-style: chr4-55161338-T-TCCACCTTCATCAAGAGAGAGGACGAGA.
Other names: c.3248_3274dup, p.Thr1091_Ile1092insThrPheIleLysArgGluAspGluThr (NM_001347828.2); c.3173_3199dup, p.Thr1066_Ile1067insThrPheIleLysArgGluAspGluThr (NM_001347829.2); c.3212_3238dup, p.Thr1079_Ile1080insThrPheIleLysArgGluAspGluThr (NM_001347830.2).
Identifiers: ClinVar variation 3698144 (VCV003698144.2).